The following is an entry in ClinVar:

ClinVar aggregate classification (germline): Uncertain significance (1 of 4 stars; one submission).

Conditions:
Hereditary cancer-predisposing syndrome. Also called: Tumor predisposition; Neoplastic Syndromes, Hereditary; Hereditary neoplastic syndrome; Hereditary Cancer Syndrome. Identifiers: Orphanet 140162, MedGen C0027672, MeSH D009386, MONDO:0015356.

Submission:

Ambry Genetics
Classification: Uncertain significance for Hereditary cancer-predisposing syndrome. Last evaluated: 2025-08-27. Review status: criteria provided, single submitter. Criteria: Ambry Variant Classification Scheme 2023. Collection method: clinical testing. Allele origin: germline.
Comment: The p.K47E variant (also known as c.139A>G), located in coding exon 2 of the MUTYH gene, results from an A to G substitution at nucleotide position 139. The lysine at codon 47 is replaced by glutamic acid, an amino acid with similar properties. This amino acid position is conserved. In addition, this alteration is predicted to be tolerated by in silico analysis. Based on the available evidence, the clinical significance of this variant remains unclear.

NM_001048174.2(MUTYH):c.97A>G (p.Lys33Glu)

Gene: MUTYH (mutY DNA glycosylase; minus strand). Cytogenetic location: 1p34.1.
Variant type: single nucleotide variant.
Coding change: c.97A>G on transcript NM_001048174.2 (MANE Select); coding-DNA position 97, A replaced by G.
Protein change: p.Lys33Glu; replaces lysine 33 with glutamic acid.
Molecular consequence: missense variant. On other transcripts: non-coding transcript variant (7), 5 prime UTR variant (7).
Genome position (GRCh38, 1-based): chr1:45,334,409, T>C on the plus strand (A>G on the coding strand, the complement: MUTYH is on the minus strand). VCF-style: chr1-45334409-T-C. GRCh37 (hg19) VCF-style: chr1-45800081-T-C.
Other names: c.97A>G, p.Lys33Glu (NM_001293195.2, NM_001407070.1, NM_001407071.1 and 15 more transcripts); c.-116A>G (NM_001293196.2, NM_001293192.2, NM_001407091.1); c.-175A>G (NM_001350650.2); c.-111A>G (NM_001350651.2, NM_001407082.1); c.139A>G, p.Lys47Glu (NM_001407069.1, NM_001407073.1, NM_001128425.2 and 2 more transcripts); c.-60A>G (NM_001407075.1); c.115A>G, p.Lys39Glu (NM_001407087.1); short protein forms K33E, K39E, K47E.
Identifiers: ClinVar variation 4113217 (VCV004113217.1).